The following is an entry in ClinVar:

ClinVar aggregate classification (germline): Uncertain significance (1 of 4 stars; one submission).

Conditions:
Familial adenomatous polyposis 1 (FAP1). Also called: FAMILIAL ADENOMATOUS POLYPOSIS 1, ATTENUATED; POLYPOSIS, ADENOMATOUS INTESTINAL. Identifiers: MedGen C2713442, MONDO:0021056, OMIM 175100. Disease mechanism: loss of function.

Allele frequency attached by ClinVar (database versions not stated): gnomAD exomes below 0.00001.
gnomAD v4.1: 1 of 1,614,062 alleles (0.000062%); no homozygotes.

Submission:

Labcorp Genetics (formerly Invitae), Labcorp
Classification: Uncertain significance for Familial adenomatous polyposis 1. Last evaluated: 2021-12-08. Review status: criteria provided, single submitter. Criteria: Invitae Variant Classification Sherloc (09022015). Collection method: clinical testing. Allele origin: germline.
Comment: This sequence change replaces asparagine, which is neutral and polar, with aspartic acid, which is acidic and polar, at codon 2752 of the APC protein (p.Asn2752Asp). This variant is not present in population databases (gnomAD no frequency). This variant has not been reported in the literature in individuals affected with APC-related conditions. ClinVar contains an entry for this variant (Variation ID: 840354). Algorithms developed to predict the effect of missense changes on protein structure and function (SIFT, PolyPhen-2, Align-GVGD) all suggest that this variant is likely to be tolerated. In summary, the available evidence is currently insufficient to determine the role of this variant in disease. Therefore, it has been classified as a Variant of Uncertain Significance.

NM_000038.6(APC):c.8254A>G (p.Asn2752Asp)

Gene: APC (APC regulator of Wnt signaling pathway; plus strand). Cytogenetic location: 5q22.2.
Variant type: single nucleotide variant.
Coding change: c.8254A>G on transcript NM_000038.6 (MANE Select); coding-DNA position 8254, A replaced by G.
Protein change: p.Asn2752Asp; replaces asparagine 2752 with aspartic acid.
Molecular consequence: missense variant.
Genome position (GRCh38, 1-based): chr5:112,843,848, A>G. VCF-style: chr5-112843848-A-G. GRCh37 (hg19) VCF-style: chr5-112179545-A-G.
Other names: c.8254A>G, p.Asn2752Asp (NM_001127510.3, NM_001354895.2); c.8200A>G, p.Asn2734Asp (NM_001127511.3); c.8308A>G, p.Asn2770Asp (NM_001354896.2); c.8284A>G, p.Asn2762Asp (NM_001354897.2); c.8179A>G, p.Asn2727Asp (NM_001354898.2); c.8170A>G, p.Asn2724Asp (NM_001354899.2); c.8131A>G, p.Asn2711Asp (NM_001354900.2); c.8077A>G, p.Asn2693Asp (NM_001354901.2); and 5 more; short protein forms N2469D, N2711D, N2651D, N2693D, N2724D, N2752D, N2592D, N2626D.
Identifiers: ClinVar variation 840354 (VCV000840354.47), dbSNP rs1766693791, ClinGen allele CA16039243.
Genomic context (GRCh38, chr5:112,843,848, plus strand): 5'-GACCAAAAAGGAACTGAGATAAAACCAGGACAAAATAATCCTGTCCCTGTATCAGAGACT[A>G]ATGAAAGTTCTATAGTGGAACGTACCCCATTCAGTTCTAGCAGCTCAAGCAAACACAGTT-3'
Protein context (NP_000029.2, residues 2742-2762): QNNPVPVSET[Asn2752Asp]ESSIVERTPF